The following is an entry in ClinVar:

ClinVar aggregate classification (germline): Uncertain significance. Review status: criteria provided, single submitter (1 of 4 stars). 2 submissions from 1 submitter: Uncertain significance (1). 1 of the submissions does not count toward it. Last evaluated 2022-09-22.

Conditions:
Desbuquois dysplasia 1 (DBQD1). Also called: MICROMELIC DWARFISM WITH VERTEBRAL AND METAPHYSEAL ABNORMALITIES AND ADVANCED CARPOTARSAL OSSIFICATION; DESBUQUOIS DYSPLASIA 1, KIM VARIANT. Identifiers: Orphanet 1425, MedGen C4012146, MONDO:0009629, OMIM 251450.

Submissions (2):

Labcorp Genetics (formerly Invitae), Labcorp
Classification: Uncertain significance. Last evaluated: 2022-09-22. Review status: criteria provided, single submitter. Criteria: Invitae Variant Classification Sherloc (09022015). Collection method: clinical testing. Allele origin: germline.
Comment: A copy number gain of the genomic region encompassing the full coding sequence of the ABCC6 gene has been identified. The boundaries of this event are unknown as they extend beyond the assayed region for this gene and therefore may encompass additional genes. As the precise location of this event is unknown, it may be in tandem or it may be located elsewhere in the genome. This variant has not been reported in the literature in individuals affected with ABCC6-related conditions. Experimental studies and prediction algorithms are not available or were not evaluated, and the functional significance of this variant is currently unknown. In summary, the available evidence is currently insufficient to determine the role of this variant in disease. Therefore, it has been classified as a Variant of Uncertain Significance.

Labcorp Genetics (formerly Invitae), Labcorp
Classification: Uncertain significance for Desbuquois dysplasia 1. Last evaluated: 2022-09-26. Review status: flagged submission. Criteria: Invitae Variant Classification Sherloc (09022015). Collection method: clinical testing. Allele origin: germline. Not counted in ClinVar's aggregate classification.
Comment: A copy number gain of the genomic region encompassing the full coding sequence of the XYLT1 gene has been identified. The boundaries of this event are unknown as they extend beyond the assayed region for this gene and therefore may encompass additional genes. As the precise location of this event is unknown, it may be in tandem or it may be located elsewhere in the genome. This variant has not been reported in the literature in individuals affected with XYLT1-related conditions. Experimental studies and prediction algorithms are not available or were not evaluated, and the functional significance of this variant is currently unknown. In summary, the available evidence is currently insufficient to determine the role of this variant in disease. Therefore, it has been classified as a Variant of Uncertain Significance.
ClinVar note: Reason: This record appears to be redundant with a more recent record from the same submitter.
ClinVar note: Notes: SCV002177502 appears to be redundant with SCV003792420.

NC_000016.9:g.(?_15758636)_(17564653_?)dup

Genes: ABCC1 (ATP binding cassette subfamily C member 1 (ABCC1 blood group); plus strand), ABCC6 (ATP binding cassette subfamily C member 6; minus strand), CEP20 (centrosomal protein 20; minus strand), MYH11 (myosin heavy chain 11; minus strand), NDE1 (nudE neurodevelopment protein 1; plus strand) and 2 more. Cytogenetic location: 16p13.11-12.3.
Variant type: Duplication.
Identifiers: ClinVar variation 1412329 (VCV001412329.5).